The following is an entry in ClinVar:

ClinVar aggregate classification (germline): Uncertain significance (1 of 4 stars; one submission).

Allele frequency attached by ClinVar (database versions not stated): TOPMed below 0.00001; ExAC 0.00001.
gnomAD v4.1: 1 of 1,611,794 alleles (0.000062%); highest among the groups gnomAD compares: Admixed American, 0.0017%; no homozygotes.

Submission:

Labcorp Genetics (formerly Invitae), Labcorp
Classification: Uncertain significance. Last evaluated: 2022-07-20. Review status: criteria provided, single submitter. Criteria: Invitae Variant Classification Sherloc (09022015). Collection method: clinical testing. Allele origin: germline.
Comment: In summary, the available evidence is currently insufficient to determine the role of this variant in disease. Therefore, it has been classified as a Variant of Uncertain Significance. Algorithms developed to predict the effect of missense changes on protein structure and function output the following: SIFT: "Tolerated"; PolyPhen-2: "Benign"; Align-GVGD: "Class C0". The glutamic acid amino acid residue is found in multiple mammalian species, which suggests that this missense change does not adversely affect protein function. This variant has not been reported in the literature in individuals affected with MFAP5-related conditions. This variant is present in population databases (rs768861127, gnomAD 0.003%). This sequence change replaces aspartic acid, which is acidic and polar, with glutamic acid, which is acidic and polar, at codon 20 of the MFAP5 protein (p.Asp20Glu).

NM_003480.4(MFAP5):c.60C>G (p.Asp20Glu)

Gene: MFAP5 (microfibril associated protein 5; minus strand). Cytogenetic location: 12p13.31.
Variant type: single nucleotide variant.
Coding change: c.60C>G on transcript NM_003480.4 (MANE Select); coding-DNA position 60, C replaced by G.
Protein change: p.Asp20Glu; replaces aspartic acid 20 with glutamic acid.
Molecular consequence: missense variant. On other transcripts: non-coding transcript variant (2), intron variant (1).
Genome position (GRCh38, 1-based): chr12:8,660,897, G>C on the plus strand (C>G on the coding strand, the complement: MFAP5 is on the minus strand). VCF-style: chr12-8660897-G-C. GRCh37 (hg19) VCF-style: chr12-8813493-G-C.
Other names: c.60C>G, p.Asp20Glu (NM_001297709.2, NM_001297711.2, NM_001297712.2); c.58+1150C>G (NM_001297710.2); short protein forms D20E.
Identifiers: ClinVar variation 1968534 (VCV001968534.5), dbSNP rs768861127, ClinGen allele CA6434777.